The following is an entry in ClinVar:

ClinVar aggregate classification (germline): Conflicting classifications of pathogenicity. Review status: criteria provided, conflicting classifications (1 of 4 stars). 2 submissions from 2 submitters: Uncertain significance (1); Likely benign (1). Last evaluated 2026-04-16.

Conditions:
Hereditary cancer-predisposing syndrome. Also called: Hereditary Cancer Syndrome; Neoplastic Syndromes, Hereditary; Hereditary neoplastic syndrome; Tumor predisposition. Identifiers: Orphanet 140162, MedGen C0027672, MeSH D009386, MONDO:0015356.
Cardiovascular phenotype. Identifiers: MedGen CN230736.
Neurofibromatosis, type 1 (NF1). Also called: VON RECKLINGHAUSEN DISEASE; Neurofibromatosis, type I; NEUROFIBROMATOSIS, TYPE I, SOMATIC; Peripheral type neurofibromatosis. Identifiers: Orphanet 636, MedGen C0027831, MONDO:0018975, OMIM 162200. Disease mechanism: loss of function.

Submissions (2):

Ambry Genetics
Classification: Likely benign for Cardiovascular phenotype; Hereditary cancer-predisposing syndrome. Last evaluated: 2026-04-16. Review status: criteria provided, single submitter. Criteria: Ambry Variant Classification Scheme 2023. Collection method: clinical testing. Allele origin: germline.

MGZ Medical Genetics Center
Classification: Uncertain significance for Neurofibromatosis, type 1. Last evaluated: 2022-04-29. Review status: criteria provided, single submitter. Criteria: ACMG Guidelines, 2015. Collection method: clinical testing. Allele origin: germline. Affected: yes. Observed: 1 variant allele.
Comment: ACMG criteria applied: PM2_SUP, BP4

NM_001042492.3(NF1):c.8248A>G (p.Thr2750Ala)

Gene: NF1 (neurofibromin 1; plus strand). Cytogenetic location: 17q11.2.
Variant type: single nucleotide variant.
Coding change: c.8248A>G on transcript NM_001042492.3 (MANE Select); coding-DNA position 8248, A replaced by G.
Protein change: p.Thr2750Ala; replaces threonine 2750 with alanine.
Molecular consequence: missense variant.
Genome position (GRCh38, 1-based): chr17:31,360,574, A>G. VCF-style: chr17-31360574-A-G. GRCh37 (hg19) VCF-style: chr17-29687592-A-G.
Other names: c.8185A>G, p.Thr2729Ala (NM_000267.4); short protein forms T2729A, T2750A.
Identifiers: ClinVar variation 1709402 (VCV001709402.3), dbSNP rs2508843096, ClinGen allele CA399204667.